The following is an entry in ClinVar:

ClinVar aggregate classification (germline): Conflicting classifications of pathogenicity. Review status: criteria provided, conflicting classifications (1 of 4 stars). 2 submissions from 2 submitters: Uncertain significance (1); Likely benign (1). Last evaluated 2024-10-29.

Conditions:
Inborn genetic diseases. Identifiers: MedGen C0950123, MeSH D030342.

Allele frequency attached by ClinVar (database versions not stated): gnomAD 0.00002 and 0.00003; gnomAD exomes 0.00002; TOPMed 0.00003; ExAC 0.00005; 1000 Genomes Project 30x 0.00016; 1000 Genomes Project 0.00020.
gnomAD v4.1: 33 of 1,610,516 alleles (0.002%); highest among the groups gnomAD compares: African/African-American, 0.0053%; no homozygotes.

Submissions (2):

Labcorp Genetics (formerly Invitae), Labcorp
Classification: Uncertain significance. Last evaluated: 2024-10-29. Review status: criteria provided, single submitter. Criteria: Invitae Variant Classification Sherloc (09022015). Collection method: clinical testing. Allele origin: germline.
Comment: This sequence change replaces threonine, which is neutral and polar, with methionine, which is neutral and non-polar, at codon 719 of the PACS2 protein (p.Thr719Met). This variant is present in population databases (rs587745743, gnomAD 0.01%). This variant has not been reported in the literature in individuals affected with PACS2-related conditions. ClinVar contains an entry for this variant (Variation ID: 1360330). Invitae Evidence Modeling of protein sequence and biophysical properties (such as structural, functional, and spatial information, amino acid conservation, physicochemical variation, residue mobility, and thermodynamic stability) indicates that this missense variant is not expected to disrupt PACS2 protein function with a negative predictive value of 80%. In summary, the available evidence is currently insufficient to determine the role of this variant in disease. Therefore, it has been classified as a Variant of Uncertain Significance.

Ambry Genetics
Classification: Likely benign for Inborn genetic diseases. Last evaluated: 2023-10-24. Review status: criteria provided, single submitter. Criteria: Ambry Variant Classification Scheme 2023. Collection method: clinical testing. Allele origin: germline.

NM_001100913.3(PACS2):c.2156C>T (p.Thr719Met)

Gene: PACS2 (phosphofurin acidic cluster sorting protein 2; plus strand). Cytogenetic location: 14q32.33.
Variant type: single nucleotide variant.
Coding change: c.2156C>T on transcript NM_001100913.3 (MANE Select); coding-DNA position 2156, C replaced by T.
Protein change: p.Thr719Met; replaces threonine 719 with methionine.
Molecular consequence: missense variant.
Genome position (GRCh38, 1-based): chr14:105,391,667, C>T. VCF-style: chr14-105391667-C-T. GRCh37 (hg19) VCF-style: chr14-105858004-C-T.
Other names: c.1886C>T, p.Thr629Met (NM_001243127.3); c.2111C>T, p.Thr704Met (NM_015197.4); c.2156C>T (NM_001100913.2); short protein forms T719M, T629M, T704M.
Identifiers: ClinVar variation 1360330 (VCV001360330.10), dbSNP rs587745743, ClinGen allele CA7389176.